The following is an entry in ClinVar:

NM_182914.3(SYNE2):c.1111G>T (p.Asp371Tyr)

Gene: SYNE2 (spectrin repeat containing nuclear envelope protein 2; plus strand). Cytogenetic location: 14q23.2.
Variant type: single nucleotide variant.
Coding change: c.1111G>T on transcript NM_182914.3 (MANE Select); coding-DNA position 1111, G replaced by T.
Protein change: p.Asp371Tyr; replaces aspartic acid 371 with tyrosine.
Molecular consequence: missense variant.
Genome position (GRCh38, 1-based): chr14:63,967,829, G>T. VCF-style: chr14-63967829-G-T. GRCh37 (hg19) VCF-style: chr14-64434547-G-T.
Other names: c.1111G>T, p.Asp371Tyr (NM_015180.6); short protein forms D371Y.
Identifiers: ClinVar variation 2146860 (VCV002146860.4), dbSNP rs2550745924, ClinGen allele CA389950948.
Genomic context (GRCh38, chr14:63,967,829, plus strand): 5'-TCAATAAAACGGGATCTGGATGAGCTGGACAAGGATCATTTACAGTTGAGAGAAGCCTGG[G>T]ATGGCCTCGATCACCAGGTGACTGTTTGTGTTGATTAGAAGAATATTTTCAGGCCAAAAG-3'
Protein context (NP_878918.2, residues 361-381): KDHLQLREAW[Asp371Tyr]GLDHQINAWK

ClinVar aggregate classification (germline): Uncertain significance (1 of 4 stars; one submission).

Conditions:
Emery-Dreifuss muscular dystrophy 5, autosomal dominant (EDMD5). Also called: EMERY-DREIFUSS MUSCULAR DYSTROPHY 5. Identifiers: Orphanet 261, MedGen C2751805, MONDO:0013072, OMIM 612999.

Submission:

Labcorp Genetics (formerly Invitae), Labcorp
Classification: Uncertain significance for Emery-Dreifuss muscular dystrophy 5, autosomal dominant. Last evaluated: 2022-02-11. Review status: criteria provided, single submitter. Criteria: Invitae Variant Classification Sherloc (09022015). Collection method: clinical testing. Allele origin: germline.
Comment: This variant is not present in population databases (gnomAD no frequency). This variant has not been reported in the literature in individuals affected with SYNE2-related conditions. Algorithms developed to predict the effect of missense changes on protein structure and function are either unavailable or do not agree on the potential impact of this missense change (SIFT: "Deleterious"; PolyPhen-2: "Possibly Damaging"; Align-GVGD: "Class C0"). Algorithms developed to predict the effect of sequence changes on RNA splicing suggest that this variant may create or strengthen a splice site. This sequence change replaces aspartic acid, which is acidic and polar, with tyrosine, which is neutral and polar, at codon 371 of the SYNE2 protein (p.Asp371Tyr). In summary, the available evidence is currently insufficient to determine the role of this variant in disease. Therefore, it has been classified as a Variant of Uncertain Significance.